The following is an entry in ClinVar:

NM_001130698.2(TRPC3):c.334G>C (p.Glu112Gln)

Gene: TRPC3 (transient receptor potential cation channel subfamily C member 3; minus strand). Cytogenetic location: 4q27.
Variant type: single nucleotide variant.
Coding change: c.334G>C on transcript NM_001130698.2 (MANE Select); coding-DNA position 334, G replaced by C.
Protein change: p.Glu112Gln; replaces glutamic acid 112 with glutamine.
Molecular consequence: missense variant.
Genome position (GRCh38, 1-based): chr4:121,932,924, C>G on the plus strand (G>C on the coding strand, the complement: TRPC3 is on the minus strand). VCF-style: chr4-121932924-C-G. GRCh37 (hg19) VCF-style: chr4-122854079-C-G.
Other names: c.334G>C, p.Glu112Gln (NM_001366479.2); c.115G>C, p.Glu39Gln (NM_003305.2); short protein forms E39Q, E112Q.
Identifiers: ClinVar variation 2970637 (VCV002970637.3), dbSNP rs199670427, ClinGen allele CA104743376.
Genomic context (GRCh38, chr4:121,932,924, plus strand): 5'-GCATCTTGCGCACCACTGGGATGTTGCCGTACTCGGCGGCGTCGAGGAAGCGCTCCTCCT[C>G]GGCGGTGAGGCTGGTGCCGCGGTCATTGAACATGAAGGCCGGGCCCCTGACAGCCTGGCG-3'
Protein context (NP_001124170.1, residues 102-122): FNDRGTSLTA[Glu112Gln]EERFLDAAEY

ClinVar aggregate classification (germline): Uncertain significance (1 of 4 stars; one submission).

Allele frequency attached by ClinVar (database versions not stated): TOPMed below 0.00001.
gnomAD v4.1: 1 of 1,614,054 alleles (0.000062%); highest among the groups gnomAD compares: African/African-American, 0.0013%; no homozygotes.

Submission:

Labcorp Genetics (formerly Invitae), Labcorp
Classification: Uncertain significance. Last evaluated: 2023-04-25. Review status: criteria provided, single submitter. Criteria: Invitae Variant Classification Sherloc (09022015). Collection method: clinical testing. Allele origin: germline.
Comment: This variant has not been reported in the literature in individuals affected with TRPC3-related conditions. Advanced modeling of protein sequence and biophysical properties (such as structural, functional, and spatial information, amino acid conservation, physicochemical variation, residue mobility, and thermodynamic stability) performed at Invitae indicates that this missense variant is not expected to disrupt TRPC3 protein function. In summary, the available evidence is currently insufficient to determine the role of this variant in disease. Therefore, it has been classified as a Variant of Uncertain Significance. This variant is not present in population databases (gnomAD no frequency). This sequence change replaces glutamic acid, which is acidic and polar, with glutamine, which is neutral and polar, at codon 112 of the TRPC3 protein (p.Glu112Gln).